The following is an entry in ClinVar:

ClinVar aggregate classification (germline): Likely pathogenic (1 of 4 stars; one submission).

Conditions:
Dilated cardiomyopathy 1G (CMD1G). Identifiers: Orphanet 154, MedGen C1858763, MONDO:0011400, OMIM 604145.
Autosomal recessive limb-girdle muscular dystrophy type 2J (LGMDR10). Also called: Limb-girdle muscular dystrophy, type 2J; MUSCULAR DYSTROPHY, LIMB-GIRDLE, AUTOSOMAL RECESSIVE 10. Identifiers: Orphanet 140922, MedGen C1837342, MONDO:0012127, OMIM 608807.

Submission:

Labcorp Genetics (formerly Invitae), Labcorp
Classification: Likely pathogenic for Dilated cardiomyopathy 1G; Autosomal recessive limb-girdle muscular dystrophy type 2J. Last evaluated: 2025-01-28. Review status: criteria provided, single submitter. Criteria: Invitae Variant Classification Sherloc (09022015). Collection method: clinical testing. Allele origin: germline.
Comment: This sequence change creates a premature translational stop signal (p.Glu23326Aspfs*4) in the TTN gene. While this is not anticipated to result in nonsense mediated decay, it is expected to disrupt the last 12666 amino acid(s) of the TTN protein. This variant is not present in population databases (gnomAD no frequency). This variant has not been reported in the literature in individuals affected with TTN-related conditions. This variant is located in the A band of TTN (PMID: 25589632). Truncating variants in this region are significantly overrepresented in patients affected with dilated cardiomyopathy (PMID: 25589632). Truncating variants in this region have also been reported in individuals affected with autosomal recessive centronuclear myopathy (PMID: 23975875). In summary, the currently available evidence indicates that the variant is pathogenic, but additional data are needed to prove that conclusively. Therefore, this variant has been classified as Likely Pathogenic.

Literature cited by the submitters: PubMed 25589632; PubMed 23975875.

NM_001267550.2(TTN):c.69978del (p.Glu23326fs)

Genes: TTN (titin; minus strand), TTN-AS1 (TTN antisense RNA 1; plus strand), LOC126806422 (BRD4-independent group 4 enhancer GRCh37_chr2:179440205-179441404; plus strand). Cytogenetic location: 2q31.2.
Variant type: Deletion.
Coding change: c.69978del on transcript NM_001267550.2 (MANE Select); coding-DNA position 69978, one base deleted (G; older notation c.69978delG).
Protein change: p.Glu23326fs; shifts the reading frame from glutamic acid 23326.
Molecular consequence: frameshift variant.
Genome position (GRCh38, 1-based): chr2:178,576,154, C deleted on the plus strand (G on the coding strand, the reverse complement: TTN is on the minus strand). VCF-style (leftmost placement, unchanged base first): chr2-178576153-GC-G. GRCh37 (hg19) VCF-style: chr2-179440880-GC-G.
Other names: c.65055del, p.Glu21685fs (NM_001256850.1); c.42783del, p.Glu14261fs (NM_003319.4); c.62274del, p.Glu20758fs (NM_133378.4); c.43158del, p.Glu14386fs (NM_133432.3); c.43359del, p.Glu14453fs (NM_133437.4); short protein forms E14261fs, E14386fs, E14453fs, E20758fs, E21685fs, E23326fs.
Identifiers: ClinVar variation 3760014 (VCV003760014.2).